The following is an entry in ClinVar:

NM_133433.4(NIPBL):c.6108+7A>G

Gene: NIPBL (NIPBL cohesin loading factor; plus strand). Cytogenetic location: 5p13.2.
Variant type: single nucleotide variant.
Coding change: c.6108+7A>G on transcript NM_133433.4 (MANE Select); 7 bases into the intron after coding-DNA position 6108, A replaced by G.
Molecular consequence: intron variant.
Genome position (GRCh38, 1-based): chr5:37,038,745, A>G. VCF-style: chr5-37038745-A-G. GRCh37 (hg19) VCF-style: chr5-37038847-A-G.
Other names: c.6108+7A>G (NM_015384.5).
Identifiers: ClinVar variation 159174 (VCV000159174.14), dbSNP rs587783995, ClinGen allele CA272197.

ClinVar aggregate classification (germline): Conflicting classifications of pathogenicity. Review status: criteria provided, conflicting classifications (1 of 4 stars). 3 submissions from 3 submitters: Uncertain significance (2); Likely benign (1). Last evaluated 2025-06-20.

Conditions:
Cornelia de Lange syndrome 1 (CDLS1). Also called: Brachmann de Lange syndrome; NIPBL-Related Cornelia de Lange Syndrome; TYPUS DEGENERATIVUS AMSTELODAMENSIS. Identifiers: Orphanet 199, MedGen C4551851, MONDO:0007387, OMIM 122470.

Submissions (3):

GeneDx
Classification: Uncertain significance. Last evaluated: 2025-06-20. Review status: criteria provided, single submitter. Criteria: GeneDx Variant Classification Process June 2021. Collection method: clinical testing. Allele origin: germline. Affected: yes.
Comment: Reported in the heterozygous state as a variant of uncertain significance in a patient with a suspected neurological disorder; however, no detailed clinical information was provided (PMID: 31069529); Not observed at significant frequency in large population cohorts (gnomAD); In silico analysis is inconclusive as to whether the variant alters gene splicing. In the absence of RNA/functional studies, the actual effect of this sequence change is unknown.; This variant is associated with the following publications: (PMID: 31069529)

Labcorp Genetics (formerly Invitae), Labcorp
Classification: Likely benign for Cornelia de Lange syndrome 1. Last evaluated: 2021-06-22. Review status: criteria provided, single submitter. Criteria: Invitae Variant Classification Sherloc (09022015). Collection method: clinical testing. Allele origin: germline.

Genetic Services Laboratory, University of Chicago
Classification: Uncertain significance for Cornelia de Lange syndrome 1. Last evaluated: 2013-02-08. Review status: criteria provided, single submitter. Criteria: ACMG Guidelines, 2007. Collection method: clinical testing. Allele origin: germline. Inheritance: Autosomal dominant inheritance.